The following is an entry in ClinVar:

NM_001042492.3(NF1):c.8465A>T (p.Gln2822Leu)

Gene: NF1 (neurofibromin 1; plus strand). Cytogenetic location: 17q11.2.
Variant type: single nucleotide variant.
Coding change: c.8465A>T on transcript NM_001042492.3 (MANE Select); coding-DNA position 8465, A replaced by T.
Protein change: p.Gln2822Leu; replaces glutamine 2822 with leucine.
Molecular consequence: missense variant.
Genome position (GRCh38, 1-based): chr17:31,374,100, A>T. VCF-style: chr17-31374100-A-T. GRCh37 (hg19) VCF-style: chr17-29701118-A-T.
Other names: c.8402A>T, p.Gln2801Leu (NM_000267.4); short protein forms Q2801L, Q2822L.
Identifiers: ClinVar variation 2178366 (VCV002178366.4), dbSNP rs2151601524, ClinGen allele CA399206032.

ClinVar aggregate classification (germline): Uncertain significance (1 of 4 stars; one submission).

Conditions:
Neurofibromatosis, type 1 (NF1). Also called: VON RECKLINGHAUSEN DISEASE; NEUROFIBROMATOSIS, TYPE I, SOMATIC; Neurofibromatosis, type I; Peripheral type neurofibromatosis. Identifiers: Orphanet 636, MedGen C0027831, MONDO:0018975, OMIM 162200. Disease mechanism: loss of function.

Submission:

Labcorp Genetics (formerly Invitae), Labcorp
Classification: Uncertain significance for Neurofibromatosis, type 1. Last evaluated: 2022-09-26. Review status: criteria provided, single submitter. Criteria: Invitae Variant Classification Sherloc (09022015). Collection method: clinical testing. Allele origin: germline.
Comment: This sequence change replaces glutamine, which is neutral and polar, with leucine, which is neutral and non-polar, at codon 2801 of the NF1 protein (p.Gln2801Leu). This variant is not present in population databases (gnomAD no frequency). This variant has not been reported in the literature in individuals affected with NF1-related conditions. Advanced modeling of protein sequence and biophysical properties (such as structural, functional, and spatial information, amino acid conservation, physicochemical variation, residue mobility, and thermodynamic stability) has been performed at Invitae for this missense variant, however the output from this modeling did not meet the statistical confidence thresholds required to predict the impact of this variant on NF1 protein function. In summary, the available evidence is currently insufficient to determine the role of this variant in disease. Therefore, it has been classified as a Variant of Uncertain Significance.